The following is an entry in ClinVar:

NM_152743.4(BRAT1):c.1313_1314del (p.Gln438fs)

Gene: BRAT1 (BRCA1 associated ATM activator 1; minus strand). Cytogenetic location: 7p22.3.
Variant type: Deletion.
Coding change: c.1313_1314del on transcript NM_152743.4 (MANE Select); coding-DNA positions 1313 to 1314, 2 bases deleted (AG; older notation c.1313_1314delAG).
Protein change: p.Gln438fs; shifts the reading frame from glutamine 438.
Molecular consequence: frameshift variant. On other transcripts: non-coding transcript variant (1).
Genome position (GRCh38, 1-based): chr7:2,541,305-2,541,306, CT deleted on the plus strand (AG on the coding strand, the reverse complement: BRAT1 is on the minus strand). VCF-style (leftmost placement, unchanged base first): chr7-2541304-CCT-C. GRCh37 (hg19) VCF-style: chr7-2580938-CCT-C.
Other names: c.1313_1314delAG (NM_152743.4); c.1313_1314del (NM_152743.3); c.1313_1314del, p.Gln438fs (NM_001350626.2); c.788_789del, p.Gln263fs (NM_001350627.2); short protein forms Q438fs, Q263fs.
Identifiers: ClinVar variation 472936 (VCV000472936.17), dbSNP rs749240175, ClinGen allele CA4127839.

ClinVar aggregate classification (germline): Pathogenic. Review status: criteria provided, multiple submitters, no conflicts (2 of 4 stars). 10 submissions from 10 submitters: Pathogenic (10). Last evaluated 2026-01-05.

Conditions:
Neonatal-onset encephalopathy with rigidity and seizures. Also called: Lethal neonatal spasticity-epileptic encephalopathy syndrome. Identifiers: Orphanet 435845, MedGen C3281029, MONDO:0013784, OMIM 614498.
Neurodevelopmental disorder with cerebellar atrophy and with or without seizures. Identifiers: MedGen C4748032, MONDO:0020841, OMIM 618056.
Inborn genetic diseases. Identifiers: MedGen C0950123, MeSH D030342.

Allele frequency attached by ClinVar (database versions not stated): ExAC 0.00008; gnomAD 0.00003 and 0.00004; TOPMed 0.00003; gnomAD exomes 0.00007 and 0.00003.

Submissions (10):

Labcorp Genetics (formerly Invitae), Labcorp
Classification: Pathogenic for Neonatal-onset encephalopathy with rigidity and seizures. Last evaluated: 2026-01-05. Review status: criteria provided, single submitter. Criteria: Invitae Variant Classification Sherloc (09022015). Collection method: clinical testing. Allele origin: germline.
Comment: This sequence change creates a premature translational stop signal (p.Gln438Argfs*51) in the BRAT1 gene. It is expected to result in an absent or disrupted protein product. Loss-of-function variants in BRAT1 are known to be pathogenic (PMID: 22279524, 25500575). This variant is present in population databases (rs749240175, gnomAD 0.01%). This variant has not been reported in the literature in individuals affected with BRAT1-related conditions. ClinVar contains an entry for this variant (Variation ID: 472936). For these reasons, this variant has been classified as Pathogenic.

Dasa
Classification: Pathogenic. Last evaluated: 2025-12-08. Review status: criteria provided, single submitter. Criteria: DASA Assertion Criteria. Collection method: clinical testing. Allele origin: germline.
Comment: NM_152743.4(BRAT1):c.1313_1314del (p.Gln438Argfs*51) is a frameshift variant in BRAT1 predicted to alter the reading frame and introduce a premature termination codon and is predicted to result in an absent or altered protein product. Loss of function is an established disease mechanism for BRAT1-associated disorders. This variant has been recurrently observed in individuals with BRAT1-related disorders (PMID: 30786674; PMID: 37344571). Also, this variant is rare in population databases. Based on the currently available evidence, this variant is classified as pathogenic.

Ambry Genetics
Classification: Pathogenic for Inborn genetic diseases. Last evaluated: 2025-05-01. Review status: criteria provided, single submitter. Criteria: Ambry Variant Classification Scheme 2023. Collection method: clinical testing. Allele origin: germline.
Comment: The c.1313_1314delAG alteration, located in exon 9 (coding exon 8) of the BRAT1 gene, consists of a deletion of 2 nucleotides from position 1313 to 1314, causing a translational frameshift with a predicted alternate stop codon after 51 amino acids. This alteration is expected to result in loss of function by premature protein truncation or nonsense-mediated mRNA decay. Based on data from gnomAD, the c.1313_1314delAG (p.Q438Rfs*51) alteration has an overall frequency of 0.007% (15/228138) total alleles studied. The highest observed frequency was 0.013% (2/15466) of African alleles. This variant has been identified in the homozygous state and/or in conjunction with other BRAT1 variant(s) in individual(s) with features consistent with BRAT1-related neurodevelopmental disorder (Carapancea, 2023; Engel, 2023; Kim, 2022; Szymaska, 2018). Based on the available evidence, this alteration is classified as pathogenic.

3billion
Classification: Pathogenic for Neurodevelopmental disorder with cerebellar atrophy and with or without seizures. Last evaluated: 2025-02-21. Review status: criteria provided, single submitter. Criteria: ACMG Guidelines, 2015. Collection method: clinical testing. Allele origin: germline. Affected: yes.
Comment: The variant is observed at an extremely low frequency in the gnomAD v4.1.0 dataset (total allele frequency: 0.003%). Predicted Consequence/Location: Frameshift: predicted to result in a loss or disruption of normal protein function through nonsense-mediated decay (NMD) or protein truncation. Multiple pathogenic variants are reported downstream of the variant. The variant has been reported at least twice as pathogenic with clinical assertions and evidence for the classification (ClinVar ID: VCV000472936 /PMID: 30786674). Therefore, this variant is classified as Pathogenic according to the recommendation of ACMG/AMP guideline.

Women's Health and Genetics/Laboratory Corporation of America, LabCorp
Classification: Pathogenic for Neurodevelopmental disorder with cerebellar atrophy and with or without seizures. Last evaluated: 2024-10-14. Review status: criteria provided, single submitter. Criteria: LabCorp Variant Classification Summary - May 2015. Collection method: clinical testing. Allele origin: germline.
Comment: Variant summary: BRAT1 c.1313_1314delAG (p.Gln438ArgfsX51) results in a premature termination codon, predicted to cause a truncation of the encoded protein or absence of the protein due to nonsense mediated decay, which are commonly known mechanisms for disease. The variant allele was found at a frequency of 6.6e-05 in 228138 control chromosomes. This frequency is not significantly higher than estimated for a pathogenic variant in BRAT1 causing Neurodevelopmental Disorder With Cerebellar Atrophy And With Or Without Seizures, allowing no conclusion about variant significance. c.1313_1314delAG has been reported in the literature in a homozygous individual affected with Neurodevelopmental Disorder With Cerebellar Atrophy And With Or Without Seizures (Szymaska_2018). These data indicate that the variant is likely associated with disease. To our knowledge, no experimental evidence demonstrating an impact on protein function has been reported. The following publication have been ascertained in the context of this evaluation (PMID: 30786674). ClinVar contains an entry for this variant (Variation ID: 472936). Based on the evidence outlined above, the variant was classified as pathogenic.

GeneDx
Classification: Pathogenic. Last evaluated: 2024-09-11. Review status: criteria provided, single submitter. Criteria: GeneDx Variant Classification Process June 2021. Collection method: clinical testing. Allele origin: germline. Affected: yes.
Comment: Frameshift variant predicted to result in protein truncation or nonsense mediated decay in a gene for which loss of function is a known mechanism of disease; Not observed at significant frequency in large population cohorts (gnomAD); This variant is associated with the following publications: (PMID: 30786674, 31589614, 36209187, 35360849, 35620305, 31440721, 37344571)

Institute for Clinical Genetics, University Hospital TU Dresden, University Hospital TU Dresden
Classification: Pathogenic. Last evaluated: 2023-06-23. Review status: criteria provided, single submitter. Criteria: ACMG Guidelines, 2015. Collection method: clinical testing. Allele origin: maternal.
Comment: PVS1, PS4, PM2_SUP

Fulgent Genetics
Classification: Pathogenic for Neonatal-onset encephalopathy with rigidity and seizures; Neurodevelopmental disorder with cerebellar atrophy and with or without seizures. Last evaluated: 2022-05-10. Review status: criteria provided, single submitter. Criteria: ACMG Guidelines, 2015. Collection method: clinical testing. Allele origin: unknown.

HudsonAlpha Institute for Biotechnology
Classification: Pathogenic for Neurodevelopmental disorder with cerebellar atrophy and with or without seizures. Last evaluated: 2021-10-14. Review status: criteria provided, single submitter. Criteria: ACMG Guidelines, 2015. Collection method: research. Allele origin: unknown. Observed: 1 variant allele. Study: HudsonAlpha-AGHI-WGS.
Comment: ACMG codes: PVS1, PM2, PP5

Equipe Genetique des Anomalies du Developpement, Université de Bourgogne
Classification: Pathogenic for Neonatal-onset encephalopathy with rigidity and seizures. Last evaluated: 2017-04-14. Review status: criteria provided, single submitter. Criteria: ACMG Guidelines, 2015. Collection method: clinical testing. Allele origin: inherited. Affected: yes. Observed: 1 compound heterozygote.

Literature cited by the submitters: PubMed 22279524 (cited by Labcorp Genetics (formerly Invitae), Labcorp); PubMed 25500575 (cited by Labcorp Genetics (formerly Invitae), Labcorp); PubMed 30786674 (cited by 4 submitters); PubMed 37344571 (cited by Dasa and Ambry Genetics); PubMed 36209187 (cited by Ambry Genetics); PubMed 36599696 (cited by Ambry Genetics).